The following is an entry in ClinVar:

NM_004360.5(CDH1):c.1565+2_1565+3insTT

Gene: CDH1 (cadherin 1; plus strand). Cytogenetic location: 16q22.1.
Variant type: Insertion.
Coding change: c.1565+2_1565+3insTT on transcript NM_004360.5 (MANE Select); the canonical splice donor site of the intron after coding-DNA position 1565 through 3 bases into the intron after coding-DNA position 1565, TT inserted.
Molecular consequence: splice donor variant.
Genome position: GRCh38 VCF-style: chr16-68815760-G-GTT. GRCh37 (hg19) VCF-style: chr16-68849663-G-GTT.
Other names: c.1565+2_1565+3insTT (LRG_301t1); c.17+2_17+3insTT (NM_001317185.2); c.-255+2_-255+3insTT (NM_001317186.2); c.1382+2_1382+3insTT (NM_001317184.2).
Identifiers: ClinVar variation 463722 (VCV000463722.27), dbSNP rs1555516200, ClinGen allele CA658658490.
Genomic context (GRCh38, chr16:68,815,760, plus strand): 5'-CCAGGAAATCACATCCTACACTGCCCAGGAGCCAGACACATTTATGGAACAGAAAATAAC[G>GTT]TAAGTGTGAGGATTTTTCAACTGACTTGCAGCAACTGGTTATTTTATATCATTTTATATG-3'

ClinVar aggregate classification (germline): Pathogenic/Likely pathogenic. Review status: criteria provided, multiple submitters, no conflicts (2 of 4 stars). 8 submissions from 8 submitters: Pathogenic (5); Likely pathogenic (3). Last evaluated 2026-02-25.

Conditions:
Hereditary cancer-predisposing syndrome. Also called: Tumor predisposition; Hereditary Cancer Syndrome; Neoplastic Syndromes, Hereditary; Hereditary neoplastic syndrome. Identifiers: Orphanet 140162, MedGen C0027672, MeSH D009386, MONDO:0015356.
Hereditary diffuse gastric adenocarcinoma (HDGC). Also called: DIFFUSE GASTRIC AND LOBULAR BREAST CANCER SYNDROME. Identifiers: Orphanet 26106, MedGen C1708349, MONDO:0007648, OMIM 137215.
CDH1-related diffuse gastric and lobular breast cancer syndrome. Also called: CDH1-related diffuse gastric and lobular breast cancer. Identifiers: MedGen CN311521, MONDO:0100488.

Submissions (8):

Myriad Genetics, Inc.
Classification: Likely pathogenic for Hereditary diffuse gastric adenocarcinoma. Last evaluated: 2026-02-25. Review status: criteria provided, single submitter. Criteria: Myriad Autosomal Dominant, Autosomal Recessive and X-Linked Classification Criteria (2023). Collection method: clinical testing. Allele origin: unknown.
Comment: This variant is considered likely pathogenic. This variant occurs within a consensus splice junction and is predicted to result in abnormal mRNA splicing of either an out-of-frame exon or an in-frame exon necessary for protein stability and/or normal function. Functional studies indicate this variant impacts protein function [PMID: 24389957]. This variant has shown to segregate with cancer in one or more families [PMID: 24389957, 22020549, 18391748, 25315765, 23709761].

Quest Diagnostics Nichols Institute San Juan Capistrano
Classification: Pathogenic. Last evaluated: 2025-05-19. Review status: criteria provided, single submitter. Criteria: Quest Diagnostics criteria. Collection method: clinical testing. Allele origin: unknown.
Comment: The CDH1 c.1565+2_1565+3insTT variant disrupts a canonical splice-donor site and interferes with normal CDH1 mRNA splicing. This variant has been reported in the published literature in individuals with gastric cancer (PMID: 24389957 (2014)) and breast cancer (PMID: 33471991 (2021), see also LOVD). In addition, this variant was reported to result in aberrant CDH1 splicing (PMID: 24389957 (2014)). This variant has not been reported in large, multi-ethnic general populations (Genome Aggregation Database). Based on the available information, this variant is classified as pathogenic.

Center for Genomic Medicine, Rigshospitalet, Copenhagen University Hospital
Classification: Pathogenic. Last evaluated: 2025-03-04. Review status: criteria provided, single submitter. Criteria: ACMG Guidelines, 2015. Collection method: clinical testing. Allele origin: germline.

Clinical Genetics Laboratory, Skane University Hospital Lund
Classification: Pathogenic for CDH1-related diffuse gastric and lobular breast cancer syndrome. Last evaluated: 2024-12-16. Review status: criteria provided, single submitter. Criteria: ACMG Guidelines, 2015. Collection method: clinical testing. Allele origin: germline. Affected: yes.
Comment: ACMG criteria used: PVS1_Strong, PS4, PM2, PM5_Supporting

Ambry Genetics
Classification: Pathogenic for Hereditary cancer-predisposing syndrome. Last evaluated: 2024-06-21. Review status: criteria provided, single submitter. Criteria: Ambry Variant Classification Scheme 2023. Collection method: clinical testing. Allele origin: germline.
Comment: The c.1565+2_1565+3insTT intronic pathogenic mutation results from the insertion of two nucleotides (TT) at positions c.1565+2 to c.1565+3, which is two nucleotides after coding exon 10 of the CDH1 gene. This mutation was reported in a large Danish family with gastric cancer and a history suggesting HDGC (Bardram L et al. Fam. Cancer, 2014 Jun;13:231-42). Bardram et al. further assessed the functional significance of this alteration using a mini-gene assay and showed this alteration results in a deletion of exon 10. Authors also note that seven asymptomatic mutation carriers underwent prophylactic gastrectomy and small foci of diffuse gastric cancer were found in all patients. Based on the available evidence, c.1565+2_1565+3insTT is classified as a pathogenic mutation.

Labcorp Genetics (formerly Invitae), Labcorp
Classification: Pathogenic for Hereditary diffuse gastric adenocarcinoma. Last evaluated: 2024-05-22. Review status: criteria provided, single submitter. Criteria: Invitae Variant Classification Sherloc (09022015). Collection method: clinical testing. Allele origin: germline.
Comment: This sequence change falls in intron 10 of the CDH1 gene. It does not directly change the encoded amino acid sequence of the CDH1 protein. It affects a nucleotide within the consensus splice site. This variant is not present in population databases (gnomAD no frequency). This variant has been observed in individuals with diffuse gastric cancer (PMID: 24389957; Invitae). It has also been observed to segregate with disease in related individuals. ClinVar contains an entry for this variant (Variation ID: 463722). Variants that disrupt the consensus splice site are a relatively common cause of aberrant splicing (PMID: 17576681, 9536098). Studies have shown that this variant alters mRNA splicing and is expected to lead to the loss of protein expression (PMID: 24389957). For these reasons, this variant has been classified as Pathogenic.

Institute for Biomarker Research, Medical Diagnostic Laboratories, L.L.C.
Classification: Likely pathogenic for Hereditary cancer-predisposing syndrome. Last evaluated: 2023-10-31. Review status: criteria provided, single submitter. Criteria: ACMG Guidelines, 2015. Collection method: clinical testing. Allele origin: germline.

Color Diagnostics, LLC DBA Color Health
Classification: Likely pathogenic for Hereditary cancer-predisposing syndrome. Last evaluated: 2020-05-05. Review status: criteria provided, single submitter. Criteria: ACMG Guidelines, 2015. Collection method: clinical testing. Allele origin: germline.
Comment: This variant causes the insertion of two nucleotides in intron 10 splice donor site of the CDH1 gene. This variant is also known as c.1565+3insTT in the literature. Splice site prediction tools predict that this variant may have a significant impact on RNA splicing, and an RNA mini-gene study showed that the variant resulted in two aberrant splicing products predicted to create absent or non-functional protein product (PMID: 24389957). This variant has been reported in diffuse gastric cancer affected individuals from two families (PMID: 24389957, 31296550), and it has been shown that this variant segregates with disease in multiple affected members in one of the two families (PMID: 24389957). This variant has not been identified in the general population by the Genome Aggregation Database (gnomAD). Based on the available evidence, this variant is classified as Likely Pathogenic.

Literature cited by the submitters: PubMed 24389957 (cited by 5 submitters); PubMed 22020549 (cited by Myriad Genetics, Inc.); PubMed 18391748 (cited by Myriad Genetics, Inc.); PubMed 25315765 (cited by Myriad Genetics, Inc.); PubMed 23709761 (cited by Myriad Genetics, Inc.); PubMed 33471991 (cited by Quest Diagnostics Nichols Institute San Juan Capistrano); PubMed 17576681 (cited by Labcorp Genetics (formerly Invitae), Labcorp); PubMed 9536098 (cited by Labcorp Genetics (formerly Invitae), Labcorp).